The following is an entry in ClinVar:

ClinVar aggregate classification (germline): Conflicting classifications of pathogenicity. Review status: criteria provided, conflicting classifications (1 of 4 stars). 4 submissions from 4 submitters: Uncertain significance (1); Likely benign (3). Last evaluated 2023-12-18.

Conditions:
Developmental and epileptic encephalopathy 92. Also called: EPILEPTIC ENCEPHALOPATHY, INFANTILE OR EARLY CHILDHOOD, 2. Identifiers: MedGen C4693362, MONDO:0020631, OMIM 617829.
Intellectual disability. Also called: intellectual disabilities; Intellectual functioning disability; Intellectual developmental disorder. Identifiers: MedGen C3714756, MeSH D008607, MONDO:0001071, HP:0001249.

Allele frequency attached by ClinVar (database versions not stated): gnomAD exomes below 0.00001 and 0.00004; ExAC 0.00002; ESP Exome Variant Server 0.00008.

Submissions (4):

Labcorp Genetics (formerly Invitae), Labcorp
Classification: Likely benign for Intellectual disability. Last evaluated: 2023-12-18. Review status: criteria provided, single submitter. Criteria: Invitae Variant Classification Sherloc (09022015). Collection method: clinical testing. Allele origin: germline.

Blueprint Genetics
Classification: Likely benign. Last evaluated: 2023-09-15. Review status: criteria provided, single submitter. Criteria: ACMG Guidelines, 2015. Collection method: clinical testing. Allele origin: germline.

GeneDx
Classification: Likely benign. Last evaluated: 2021-06-25. Review status: criteria provided, single submitter. Criteria: GeneDx Variant Classification Process June 2021. Collection method: clinical testing. Allele origin: germline. Affected: yes.
Comment: Has not been previously published as pathogenic or benign to our knowledge; In silico analysis supports that this missense variant does not alter protein structure/function; This variant is associated with the following publications: (PMID: 27535533)

Fulgent Genetics
Classification: Uncertain significance for Developmental and epileptic encephalopathy 92. Last evaluated: 2018-10-31. Review status: criteria provided, single submitter. Criteria: ACMG Guidelines, 2015. Collection method: clinical testing. Allele origin: unknown.

NM_001371727.1(GABRB2):c.578G>A (p.Arg193His)

Gene: GABRB2 (gamma-aminobutyric acid type A receptor subunit beta2; minus strand). Cytogenetic location: 5q34.
Variant type: single nucleotide variant.
Coding change: c.578G>A on transcript NM_001371727.1 (MANE Select); coding-DNA position 578, G replaced by A.
Protein change: p.Arg193His; replaces arginine 193 with histidine.
Molecular consequence: missense variant.
Genome position (GRCh38, 1-based): chr5:161,336,733, C>T on the plus strand (G>A on the coding strand, the complement: GABRB2 is on the minus strand). VCF-style: chr5-161336733-C-T. GRCh37 (hg19) VCF-style: chr5-160763740-C-T.
Other names: c.578G>A, p.Arg193His (NM_000813.3, NM_021911.3); short protein forms R193H.
Identifiers: ClinVar variation 265164 (VCV000265164.14), dbSNP rs373324958, ClinGen allele CA3543523.